The following is an entry in ClinVar:

ClinVar aggregate classification (germline): Likely benign. Review status: criteria provided, single submitter (1 of 4 stars). 2 submissions from 2 submitters: Likely benign (1). 1 of the submissions does not count toward it. Last evaluated 2026-09-21.

Conditions:
NRAP-related disorder. Also called: NRAP-related condition.

gnomAD v4.1: 131 of 1,614,180 alleles (0.0081%); highest among the groups gnomAD compares: East Asian, 0.19%; no homozygotes.

Submissions (2):

Molecular Diagnostic Laboratory for Inherited Cardiovascular Disease, Montreal Heart Institute
Classification: Likely benign. Last evaluated: 2026-09-21. Review status: criteria provided, single submitter. Criteria: ACMG Guidelines, 2015. Collection method: clinical testing. Allele origin: germline. Affected: no.
Comment: BS1

PreventionGenetics, part of Exact Sciences
Classification: Likely benign for NRAP-related condition. Last evaluated: 2024-07-10. Review status: no assertion criteria provided. Collection method: clinical testing. Allele origin: germline. Not counted in ClinVar's aggregate classification.
Comment: This variant is classified as likely benign based on ACMG/AMP sequence variant interpretation guidelines (Richards et al. 2015 PMID: 25741868, with internal and published modifications).

NM_198060.4(NRAP):c.4043G>A (p.Arg1348Lys)

Gene: NRAP (nebulin related anchoring protein; minus strand). Cytogenetic location: 10q25.3.
Variant type: single nucleotide variant.
Coding change: c.4043G>A on transcript NM_198060.4 (MANE Select); coding-DNA position 4043, G replaced by A.
Protein change: p.Arg1348Lys; replaces arginine 1348 with lysine.
Molecular consequence: missense variant.
Genome position (GRCh38, 1-based): chr10:113,604,793, C>T on the plus strand (G>A on the coding strand, the complement: NRAP is on the minus strand). VCF-style: chr10-113604793-C-T. GRCh37 (hg19) VCF-style: chr10-115364552-C-T.
Other names: c.4043G>A, p.Arg1348Lys (NM_001261463.2); c.3935G>A, p.Arg1312Lys (NM_001322945.2); c.3938G>A, p.Arg1313Lys (NM_006175.5); c.4043G>A (NM_198060.3); short protein forms R1312K, R1313K, R1348K.
Identifiers: ClinVar variation 3350502 (VCV003350502.2), dbSNP rs184690165.
Genomic context (GRCh38, chr10:113,604,793, plus strand): 5'-TGGACCAGGTGCACCATGTCCATGGGCAGATGGAACTGGGCTTGGCTGCTGGTCGCCCCC[C>T]TCCTGTACTGAAGCTCGCTCTGCAGCTGGCCCATGCGCCGGCAGTGCTGGATCCGGGGGT-3'
Protein context (NP_932326.2, residues 1338-1358): GQLQSELQYR[Arg1348Lys]GATSSQAQFH